The following is an entry in ClinVar:

ClinVar aggregate classification (germline): Likely benign. Review status: criteria provided, multiple submitters, no conflicts (2 of 4 stars). 3 submissions from 3 submitters: Likely benign (2). 1 of the submissions does not count toward it. Last evaluated 2025-03-31.

Conditions:
COL2A1-related disorder. Also called: COL2A1-related condition; COL2A1-related disorders.

Allele frequency attached by ClinVar (database versions not stated): gnomAD 0.00001; ExAC 0.00002; TOPMed 0.00002; ESP Exome Variant Server 0.00008; 1000 Genomes Project 30x 0.00016; 1000 Genomes Project 0.00020.
gnomAD v4.1: 29 of 1,610,842 alleles (0.0018%); highest among the groups gnomAD compares: Middle Eastern, 0.033%; no homozygotes.

Submissions (3):

Labcorp Genetics (formerly Invitae), Labcorp
Classification: Likely benign. Last evaluated: 2025-03-31. Review status: criteria provided, single submitter. Criteria: Invitae Variant Classification Sherloc (09022015). Collection method: clinical testing. Allele origin: germline.

Blueprint Genetics
Classification: Likely benign. Last evaluated: 2024-01-22. Review status: criteria provided, single submitter. Criteria: ACMG Guidelines, 2015. Collection method: clinical testing. Allele origin: germline.

PreventionGenetics, part of Exact Sciences
Classification: Likely benign for COL2A1-related condition. Last evaluated: 2021-05-03. Review status: no assertion criteria provided. Collection method: clinical testing. Allele origin: germline. Not counted in ClinVar's aggregate classification.
Comment: This variant is classified as likely benign based on ACMG/AMP sequence variant interpretation guidelines (Richards et al. 2015 PMID: 25741868, with internal and published modifications).

NM_001844.5(COL2A1):c.1069-15G>A

Gene: COL2A1 (collagen type II alpha 1 chain; minus strand). Cytogenetic location: 12q13.11.
Variant type: single nucleotide variant.
Coding change: c.1069-15G>A on transcript NM_001844.5 (MANE Select); 15 bases into the intron before coding-DNA position 1069, G replaced by A.
Molecular consequence: intron variant.
Genome position (GRCh38, 1-based): chr12:47,989,296, C>T on the plus strand (G>A on the coding strand, the complement: COL2A1 is on the minus strand). VCF-style: chr12-47989296-C-T. GRCh37 (hg19) VCF-style: chr12-48383079-C-T.
Other names: c.862-15G>A (NM_033150.3); c.1069-15G>A (NM_001844.4).
Identifiers: ClinVar variation 1923686 (VCV001923686.8), dbSNP rs369011859, ClinGen allele CA6535617.
Genomic context (GRCh38, chr12:47,989,296, plus strand): 5'-CAGGAGCACCAGGGAAGCCAGGACCACCAGCAGGACCGACAGGACCCTGGAGAGAGTAGG[C>T]GGATGAGAAGAGAGGTGAATGCCAGTTCTGGCCTCCAAAGCGAGCCACCCCGACACCTCA-3'